The following is an entry in ClinVar:

NM_001103.4(ACTN2):c.242-4A>G

Gene: ACTN2 (actinin alpha 2; plus strand). Cytogenetic location: 1q43.
Variant type: single nucleotide variant.
Coding change: c.242-4A>G on transcript NM_001103.4 (MANE Select); 4 bases into the intron before coding-DNA position 242, A replaced by G.
Molecular consequence: intron variant.
Genome position (GRCh38, 1-based): chr1:236,718,890, A>G. VCF-style: chr1-236718890-A-G. GRCh37 (hg19) VCF-style: chr1-236882190-A-G.
Other names: c.242-4A>G (NM_001278343.2).
Identifiers: ClinVar variation 4221944 (VCV004221944.1).

ClinVar aggregate classification (germline): Uncertain significance (1 of 4 stars; one submission).

Conditions:
Cardiovascular phenotype. Identifiers: MedGen CN230736.

Submission:

Ambry Genetics
Classification: Uncertain significance for Cardiovascular phenotype. Last evaluated: 2025-08-07. Review status: criteria provided, single submitter. Criteria: Ambry Variant Classification Scheme 2023. Collection method: clinical testing. Allele origin: germline.
Comment: The c.242-4A>G intronic variant results from an A to G substitution 4 nucleotides upstream from coding exon 3 in the ACTN2 gene. This nucleotide position is not well conserved in available vertebrate species. In silico splice site analysis predicts that this alteration may weaken the native splice acceptor site and will result in the creation or strengthening of a novel splice acceptor site. Based on the available evidence, the clinical significance of this variant remains unclear.